The following is an entry in ClinVar:

ClinVar aggregate classification (germline): Likely benign (1 of 4 stars; one submission).

Conditions:
Congenital brain dysgenesis due to glutamine synthetase deficiency (GLND). Also called: GLUTAMINE SYNTHASE DEFICIENCY, CONGENITAL SYSTEMIC. Identifiers: Orphanet 71278, MedGen C1864910, MONDO:0012393, OMIM 610015.

Allele frequency attached by ClinVar (database versions not stated): 1000 Genomes Project 0.03335; gnomAD 0.02971 and 0.03169; TOPMed 0.03339; 1000 Genomes Project 30x 0.03560.

Submission:

Illumina Laboratory Services, Illumina
Classification: Likely benign for Congenital brain dysgenesis due to glutamine synthetase deficiency. Last evaluated: 2017-04-27. Review status: criteria provided, single submitter. Criteria: ICSL Variant Classification Criteria 13 December 2019. Collection method: clinical testing. Allele origin: germline.
Comment: This variant was observed as part of a predisposition screen in an ostensibly healthy population. A literature search was performed for the gene, cDNA change, and amino acid change (where applicable). No publications were found based on this search. Allele frequency data from public databases allowed determination this variant is unlikely to cause disease. Therefore, this variant is classified as likely benign.

NM_001033044.4(GLUL):c.-125A>G

Genes: GLUL (glutamate-ammonia ligase; minus strand), LOC129932057 (ATAC-STARR-seq lymphoblastoid silent region 1618; plus strand). Cytogenetic location: 1q25.3.
Variant type: single nucleotide variant.
Coding change: c.-125A>G on transcript NM_001033044.4 (MANE Select); 125 bases upstream of the start codon, A replaced by G.
Molecular consequence: 5 prime UTR variant.
Genome position (GRCh38, 1-based): chr1:182,391,790, T>C on the plus strand (A>G on the coding strand, the complement: GLUL is on the minus strand). VCF-style: chr1-182391790-T-C. GRCh37 (hg19) VCF-style: chr1-182360925-T-C.
Other names: c.-481A>G (NM_002065.7).
Identifiers: ClinVar variation 293965 (VCV000293965.5), dbSNP rs112448103, ClinGen allele CA10608871.